The following is an entry in ClinVar:

NM_182643.3(DLC1):c.3150C>G (p.Asn1050Lys)

Gene: DLC1 (DLC1 Rho GTPase activating protein; minus strand). Cytogenetic location: 8p22.
Variant type: single nucleotide variant.
Coding change: c.3150C>G on transcript NM_182643.3 (MANE Select); coding-DNA position 3150, C replaced by G.
Protein change: p.Asn1050Lys; replaces asparagine 1050 with lysine.
Molecular consequence: missense variant.
Genome position (GRCh38, 1-based): chr8:13,098,416, G>C on the plus strand (C>G on the coding strand, the complement: DLC1 is on the minus strand). VCF-style: chr8-13098416-G-C. GRCh37 (hg19) VCF-style: chr8-12955925-G-C.
Other names: c.1617C>G, p.Asn539Lys (NM_001164271.2, NM_001348082.2, NM_001348083.1 and 6 more transcripts); c.1941C>G, p.Asn647Lys (NM_001316668.2, NM_001413129.1); c.3150C>G, p.Asn1050Lys (NM_001348081.2, NM_001413124.1); c.1932C>G, p.Asn644Lys (NM_001413130.1); c.1590C>G, p.Asn530Lys (NM_001413131.1, NM_001413137.1); c.2076C>G, p.Asn692Lys (NM_001413132.1); c.1839C>G, p.Asn613Lys (NM_001413135.1, NM_001413136.1, NM_001413139.1 and 1 more transcripts); c.1974C>G, p.Asn658Lys (NM_001413140.1); short protein forms N530K, N647K, N539K, N613K, N644K, N658K, N1050K, N692K.
Identifiers: ClinVar variation 3082685 (VCV003082685.4), dbSNP rs563588933, ClinGen allele CA4638450.

ClinVar aggregate classification (germline): Uncertain significance. Review status: criteria provided, multiple submitters, no conflicts (2 of 4 stars). 3 submissions from 3 submitters: Uncertain significance (3). Last evaluated 2025-05-09.

Conditions:
Colorectal cancer. Also called: Colorectal cancer, somatic; Malignant Colorectal Neoplasm. Identifiers: MedGen C0346629, MONDO:0005575, OMIM 114500.

Allele frequency attached by ClinVar (database versions not stated): ExAC 0.00003; 1000 Genomes Project 0.00020; 1000 Genomes Project 30x 0.00016.
gnomAD v4.1: 23 of 1,614,138 alleles (0.0014%); highest among the groups gnomAD compares: East Asian, 0.022%; no homozygotes.

Submissions (3):

Labcorp Genetics (formerly Invitae), Labcorp
Classification: Uncertain significance. Last evaluated: 2025-05-09. Review status: criteria provided, single submitter. Criteria: Invitae Variant Classification Sherloc (09022015). Collection method: clinical testing. Allele origin: germline.
Comment: This sequence change replaces asparagine, which is neutral and polar, with lysine, which is basic and polar, at codon 1050 of the DLC1 protein (p.Asn1050Lys). This variant is present in population databases (rs563588933, gnomAD 0.02%). This variant has not been reported in the literature in individuals affected with DLC1-related conditions. ClinVar contains an entry for this variant (Variation ID: 3082685). An algorithm developed to predict the effect of missense changes on protein structure and function (PolyPhen-2) suggests that this variant is likely to be disruptive. In summary, the available evidence is currently insufficient to determine the role of this variant in disease. Therefore, it has been classified as a Variant of Uncertain Significance.

Fulgent Genetics
Classification: Uncertain significance for Colorectal cancer. Last evaluated: 2024-06-15. Review status: criteria provided, single submitter. Criteria: ACMG Guidelines, 2015. Collection method: clinical testing. Allele origin: germline.

Ambry Genetics
Classification: Uncertain significance. Last evaluated: 2023-10-14. Review status: criteria provided, single submitter. Criteria: Ambry Variant Classification Scheme 2023. Collection method: clinical testing. Allele origin: germline.